The following is an entry in ClinVar:

NM_022124.6(CDH23):c.4231G>A (p.Glu1411Lys)

Gene: CDH23 (cadherin related 23; plus strand). Cytogenetic location: 10q22.1.
Variant type: single nucleotide variant.
Coding change: c.4231G>A on transcript NM_022124.6 (MANE Select); coding-DNA position 4231, G replaced by A.
Protein change: p.Glu1411Lys; replaces glutamic acid 1411 with lysine.
Molecular consequence: missense variant.
Genome position (GRCh38, 1-based): chr10:71,738,519, G>A. VCF-style: chr10-71738519-G-A. GRCh37 (hg19) VCF-style: chr10-73498276-G-A.
Other names: short protein forms E1411K.
Identifiers: ClinVar variation 861335 (VCV000861335.10), dbSNP rs375057273, ClinGen allele CA5544990.

ClinVar aggregate classification (germline): Conflicting classifications of pathogenicity. Review status: criteria provided, conflicting classifications (1 of 4 stars). 3 submissions from 3 submitters: Uncertain significance (1); Likely benign (1). 1 of the submissions does not count toward it. Last evaluated 2025-01-24.

Conditions:
CDH23-related disorder. Also called: CDH23-related condition; CDH23-related disorders.
Usher syndrome type 1 (USH1). Also called: RETINITIS PIGMENTOSA AND CONGENITAL DEAFNESS. Identifiers: Orphanet 231169, Orphanet 886, MedGen C1568247, MONDO:0010168, OMIM 276900.

Allele frequency attached by ClinVar (database versions not stated): gnomAD 0.00001 and 0.00005; TOPMed 0.00004; gnomAD exomes 0.00005 and 0.00009; ExAC 0.00007; ESP Exome Variant Server 0.00008.
gnomAD v4.1: 82 of 1,613,872 alleles (0.0051%); highest among the groups gnomAD compares: South Asian, 0.077%; 1 homozygote.

Submissions (3):

PreventionGenetics, part of Exact Sciences
Classification: Uncertain significance for CDH23-related condition. Last evaluated: 2025-01-24. Review status: criteria provided, single submitter. Criteria: ACMG Guidelines, 2015. Collection method: clinical testing. Allele origin: germline.
Comment: The CDH23 c.4231G>A variant is predicted to result in the amino acid substitution p.Glu1411Lys. To our knowledge, this variant has not been reported in the literature. This variant is reported in 0.065% of alleles in individuals of South Asian descent in gnomAD. Although we suspect that this variant may be benign, at this time, the clinical significance of this variant is uncertain due to the absence of conclusive functional and genetic evidence.

Labcorp Genetics (formerly Invitae), Labcorp
Classification: Likely benign. Last evaluated: 2023-11-14. Review status: criteria provided, single submitter. Criteria: Invitae Variant Classification Sherloc (09022015). Collection method: clinical testing. Allele origin: germline.

Natera, Inc.
Classification: Uncertain significance for Usher syndrome type 1. Last evaluated: 2020-02-27. Review status: no assertion criteria provided. Collection method: clinical testing. Allele origin: germline. Not counted in ClinVar's aggregate classification.